The following is an entry in ClinVar:

NM_003737.4(DCHS1):c.1483G>T (p.Val495Leu)

Gene: DCHS1 (dachsous cadherin-related 1; minus strand). Cytogenetic location: 11p15.4.
Variant type: single nucleotide variant.
Coding change: c.1483G>T on transcript NM_003737.4 (MANE Select); coding-DNA position 1483, G replaced by T.
Protein change: p.Val495Leu; replaces valine 495 with leucine.
Molecular consequence: missense variant.
Genome position (GRCh38, 1-based): chr11:6,640,131, C>A on the plus strand (G>T on the coding strand, the complement: DCHS1 is on the minus strand). VCF-style: chr11-6640131-C-A. GRCh37 (hg19) VCF-style: chr11-6661362-C-A.
Other names: short protein forms V495L.
Identifiers: ClinVar variation 3720979 (VCV003720979.2).
Genomic context (GRCh38, chr11:6,640,131, plus strand): 5'-CAGGGGCTAGGCTATAAGTGACCTGACCATTGGTGCCTTGGTCAGGATCCCGAGCAGTCA[C>A]CCGCACTACAAAGCTGCCAGGCAGCGCAACCTCAGGCAGGGGCTCAGGTCGGTAGAGCTG-3'
Protein context (NP_003728.1, residues 485-505): VALPGSFVVR[Val495Leu]TARDPDQGTN

ClinVar aggregate classification (germline): Uncertain significance (1 of 4 stars; one submission).

gnomAD v4.1: 1 of 1,613,680 alleles (0.000062%); highest among the groups gnomAD compares: Non-Finnish European, 0.000085%; no homozygotes.

Submission:

Labcorp Genetics (formerly Invitae), Labcorp
Classification: Uncertain significance. Last evaluated: 2025-01-28. Review status: criteria provided, single submitter. Criteria: Invitae Variant Classification Sherloc (09022015). Collection method: clinical testing. Allele origin: germline.
Comment: This sequence change replaces valine, which is neutral and non-polar, with leucine, which is neutral and non-polar, at codon 495 of the DCHS1 protein (p.Val495Leu). This variant is present in population databases (no rsID available, gnomAD 0.0009%). This variant has not been reported in the literature in individuals affected with DCHS1-related conditions. Invitae Evidence Modeling of protein sequence and biophysical properties (such as structural, functional, and spatial information, amino acid conservation, physicochemical variation, residue mobility, and thermodynamic stability) indicates that this missense variant is not expected to disrupt DCHS1 protein function with a negative predictive value of 80%. In summary, the available evidence is currently insufficient to determine the role of this variant in disease. Therefore, it has been classified as a Variant of Uncertain Significance.